The following is an entry in ClinVar:

NM_001352514.2(HLCS):c.1524C>G (p.Tyr508Ter)

Gene: HLCS (holocarboxylase synthetase; minus strand). Cytogenetic location: 21q22.13.
Variant type: single nucleotide variant.
Coding change: c.1524C>G on transcript NM_001352514.2 (MANE Select); coding-DNA position 1524, C replaced by G.
Protein change: p.Tyr508Ter; replaces tyrosine 508 with a stop codon.
Molecular consequence: nonsense. On other transcripts: non-coding transcript variant (2).
Genome position (GRCh38, 1-based): chr21:36,930,347, G>C on the plus strand (C>G on the coding strand, the complement: HLCS is on the minus strand). VCF-style: chr21-36930347-G-C. GRCh37 (hg19) VCF-style: chr21-38302647-G-C.
Other names: c.1083C>G, p.Tyr361Ter (NM_000411.8, NM_001242784.3, NM_001242785.2 and 4 more transcripts); short protein forms Y361*, Y508*.
Identifiers: ClinVar variation 1724072 (VCV001724072.2), dbSNP rs772808561, ClinGen allele CA409911369.
Genomic context (GRCh38, chr21:36,930,347, plus strand): 5'-AGGAACTTGTTTCATGTCACAGCTGAGGCCAAGGGTTGTCAGAATCTCTCTAAGGACTTC[G>C]TATCTTCTAAAATTGCTTGACTTGAGCAAGTTAAAATCTTCTGGAGTTTGCACTATGTTG-3'

ClinVar aggregate classification (germline): Likely pathogenic (1 of 4 stars; one submission).

Conditions:
Holocarboxylase synthetase deficiency. Also called: MULTIPLE CARBOXYLASE DEFICIENCY, EARLY ONSET. Identifiers: Orphanet 79242, MedGen C0268581, MONDO:0009666, OMIM 253270.

Submission:

Myriad Genetics, Inc.
Classification: Likely pathogenic for Holocarboxylase synthetase deficiency. Last evaluated: 2022-01-24. Review status: criteria provided, single submitter. Criteria: Myriad Women's Health Autosomal Recessive and X-Linked Classification Criteria (2021). Collection method: clinical testing. Allele origin: unknown.
Comment: NM_000411.6(HLCS):c.1083C>G(Y361*) is expected to be pathogenic in the context of holocarboxylase synthetase deficiency. This variant is predicted to lead to an abnormal or absent protein product due to the creation of a premature termination codon in HLCS, a gene where loss-of-function variants are known to be pathogenic. Please note: this variant was assessed in the context of healthy population screening.